The following is an entry in ClinVar:

NM_001035.3(RYR2):c.6793-12T>C

Gene: RYR2 (ryanodine receptor 2; plus strand). Cytogenetic location: 1q43.
Variant type: single nucleotide variant.
Coding change: c.6793-12T>C on transcript NM_001035.3 (MANE Select); 12 bases into the intron before coding-DNA position 6793, T replaced by C.
Molecular consequence: intron variant.
Genome position (GRCh38, 1-based): chr1:237,638,345, T>C. VCF-style: chr1-237638345-T-C. GRCh37 (hg19) VCF-style: chr1-237801645-T-C.
Identifiers: ClinVar variation 922757 (VCV000922757.8), dbSNP rs180775271, ClinGen allele CA087221.

ClinVar aggregate classification (germline): Likely benign. Review status: criteria provided, multiple submitters, no conflicts (2 of 4 stars). 3 submissions from 3 submitters: Likely benign (3). Last evaluated 2024-07-20.

Conditions:
Catecholaminergic polymorphic ventricular tachycardia (CVPT). Also called: Catecholamine-induced polymorphic ventricular tachycardia. Identifiers: Orphanet 3286, MedGen C5574922, MONDO:0017990.
Cardiomyopathy (CMYO). Also called: Cardiomyopathies. Identifiers: Orphanet 167848, MedGen C0878544, MONDO:0004994, HP:0001638. Inheritance: Various modes of inheritance.
Catecholaminergic polymorphic ventricular tachycardia 1. Also called: VENTRICULAR TACHYCARDIA, CATECHOLAMINERGIC POLYMORPHIC, 1, WITH OR WITHOUT ATRIAL DYSFUNCTION AND/OR DILATED CARDIOMYOPATHY; RYR2-Related Catecholaminergic Polymorphic Ventricular Tachycardia; VENTRICULAR TACHYCARDIA, STRESS-INDUCED POLYMORPHIC 1. Identifiers: Orphanet 3286, MedGen C1631597, MONDO:0011484, OMIM 604772.

Allele frequency attached by ClinVar (database versions not stated): TOPMed below 0.00001; ExAC 0.00001; gnomAD 0.00001; gnomAD exomes 0.00001 and 0.00002; 1000 Genomes Project 0.00040; 1000 Genomes Project 30x 0.00047.
gnomAD v4.1: 8 of 1,613,818 alleles (0.0005%); highest among the groups gnomAD compares: East Asian, 0.016%; 1 homozygote.

Submissions (3):

All of Us Research Program, National Institutes of Health
Classification: Likely benign for Catecholaminergic polymorphic ventricular tachycardia. Last evaluated: 2024-07-20. Review status: criteria provided, single submitter. Criteria: ACMG Guidelines, 2015. Collection method: clinical testing. Allele origin: germline. Inheritance: Autosomal dominant inheritance. Observed: 1 variant allele, 1 heterozygote.
Comment: This study involves interpretation of variants in research participants for the purpose of population health screening. Participant phenotype was not available at the time of variant classification. Additional details can be found in publication PMID: 35346344, PMCID: PMC8962531

Labcorp Genetics (formerly Invitae), Labcorp
Classification: Likely benign for Catecholaminergic polymorphic ventricular tachycardia 1. Last evaluated: 2023-09-10. Review status: criteria provided, single submitter. Criteria: Invitae Variant Classification Sherloc (09022015). Collection method: clinical testing. Allele origin: germline.

Color Diagnostics, LLC DBA Color Health
Classification: Likely benign for Cardiomyopathy. Last evaluated: 2018-11-23. Review status: criteria provided, single submitter. Criteria: ACMG Guidelines, 2015. Collection method: clinical testing. Allele origin: germline.